The following is an entry in ClinVar:

NM_000441.2(SLC26A4):c.290T>A (p.Val97Glu)

Gene: SLC26A4 (solute carrier family 26 member 4; plus strand). Cytogenetic location: 7q22.3.
Variant type: single nucleotide variant.
Coding change: c.290T>A on transcript NM_000441.2 (MANE Select); coding-DNA position 290, T replaced by A.
Protein change: p.Val97Glu; replaces valine 97 with glutamic acid.
Molecular consequence: missense variant.
Genome position (GRCh38, 1-based): chr7:107,663,421, T>A. VCF-style: chr7-107663421-T-A. GRCh37 (hg19) VCF-style: chr7-107303866-T-A.
Other names: short protein forms V97E.
Identifiers: ClinVar variation 2136584 (VCV002136584.7), dbSNP rs1223360265, ClinGen allele CA368845762.

ClinVar aggregate classification (germline): Likely pathogenic. Review status: criteria provided, multiple submitters, no conflicts (2 of 4 stars). 4 submissions from 4 submitters: Likely pathogenic (4). Last evaluated 2025-07-18.

Conditions:
Pendred syndrome (PDS). Also called: DEAFNESS WITH GOITER; GOITER-DEAFNESS SYNDROME; HYPOTHYROIDISM, CONGENITAL, DUE TO DYSHORMONOGENESIS, 2B; THYROID DYSHORMONOGENESIS 2B; THYROID HORMONOGENESIS, GENETIC DEFECT IN, 2B; Pendred Syndrome (PDS). Identifiers: Orphanet 705, MedGen C0271829, MONDO:0010134, OMIM 274600.
Autosomal recessive nonsyndromic hearing loss 4 (DFNB4). Also called: Deafness, autosomal recessive 4, with enlarged vestibular aqueduct; FOXI1-Related Pendred Syndrome; KCNJ10-Related Pendred Syndrome; DEAFNESS, AUTOSOMAL RECESSIVE 4, WITH ENLARGED VESTIBULAR AQUEDUCT, DIGENIC; Nonsyndromic enlarged vestibular aqueduct (NSEVA); Deafness, autosomal recessive 4. Identifiers: Orphanet 90636, MedGen C3538946, MONDO:0010933, OMIM 600791.
SLC26A4-related disorder. Also called: SLC26A4-related disorders; SLC26A4-related condition.

gnomAD v4.1: 1 of 1,614,056 alleles (0.000062%); highest among the groups gnomAD compares: East Asian, 0.0022%; no homozygotes.

Submissions (4):

Myriad Genetics, Inc.
Classification: Likely pathogenic for Pendred syndrome. Last evaluated: 2025-07-18. Review status: criteria provided, single submitter. Criteria: Myriad Autosomal Dominant, Autosomal Recessive and X-Linked Classification Criteria (2023). Collection method: clinical testing. Allele origin: unknown.
Comment: NM_000441.1(SLC26A4):c.290T>A(V97E) is a missense variant classified as likely pathogenic in the context of Pendred syndrome. V97E has been observed in cases with relevant disease (PMID: 25251670, 35106950, 36597107, 3640791, 40350251). Relevant functional assessments of this variant are not available in the literature. V97E has not been observed in referenced population frequency databases. In summary, NM_000441.1(SLC26A4):c.290T>A(V97E) is a missense variant that has been observed more frequently in cases with the relevant disease than in healthy populations. Please note: this variant was assessed in the context of healthy population screening.

Blueprint Genetics
Classification: Likely pathogenic for SLC26A4-related disorders. Last evaluated: 2024-02-27. Review status: criteria provided, single submitter. Criteria: ACMG Guidelines, 2015. Collection method: clinical testing. Allele origin: germline. Affected: yes. Observed: 2 variant alleles.

Labcorp Genetics (formerly Invitae), Labcorp
Classification: Likely pathogenic. Last evaluated: 2022-10-13. Review status: criteria provided, single submitter. Criteria: Invitae Variant Classification Sherloc (09022015). Collection method: clinical testing. Allele origin: germline.
Comment: This missense change has been observed in individual(s) with deafness (PMID: 25251670). In at least one individual the data is consistent with being in trans (on the opposite chromosome) from a pathogenic variant. This variant is not present in population databases (gnomAD no frequency). This sequence change replaces valine, which is neutral and non-polar, with glutamic acid, which is acidic and polar, at codon 97 of the SLC26A4 protein (p.Val97Glu). Advanced modeling of protein sequence and biophysical properties (such as structural, functional, and spatial information, amino acid conservation, physicochemical variation, residue mobility, and thermodynamic stability) performed at Invitae indicates that this missense variant is expected to disrupt SLC26A4 protein function. In summary, the currently available evidence indicates that the variant is pathogenic, but additional data are needed to prove that conclusively. Therefore, this variant has been classified as Likely Pathogenic.

Juno Genomics, Hangzhou Juno Genomics, Inc
Classification: Likely pathogenic for Autosomal recessive nonsyndromic hearing loss 4; Pendred syndrome. Review status: criteria provided, single submitter. Criteria: ACMG Guidelines, 2015. Collection method: clinical testing. Allele origin: germline.
Comment: Absent from controls (or at extremely low frequency if recessive) in Genome Aggregation Database.;Multiple lines of computational evidence support a deleterious effect on the gene or gene product.;For recessive disorders, detected in trans with a pathogenic variant.

Literature cited by the submitters: PubMed 25251670 (cited by Myriad Genetics, Inc. and Labcorp Genetics (formerly Invitae), Labcorp); PubMed 35106950 (cited by Myriad Genetics, Inc.); PubMed 3640791 (cited by Myriad Genetics, Inc.); PubMed 36597107 (cited by Myriad Genetics, Inc.); PubMed 40350251 (cited by Myriad Genetics, Inc.).